The following is an entry in ClinVar:

NM_139343.3(BIN1):c.1628C>T (p.Ala543Val)

Gene: BIN1 (bridging integrator 1; minus strand). Cytogenetic location: 2q14.3.
Variant type: single nucleotide variant.
Coding change: c.1628C>T on transcript NM_139343.3 (MANE Select); coding-DNA position 1628, C replaced by T.
Protein change: p.Ala543Val; replaces alanine 543 with valine.
Molecular consequence: missense variant.
Genome position (GRCh38, 1-based): chr2:127,050,467, G>A on the plus strand (C>T on the coding strand, the complement: BIN1 is on the minus strand). VCF-style: chr2-127050467-G-A. GRCh37 (hg19) VCF-style: chr2-127808043-G-A.
Other names: c.1121C>T, p.Ala374Val (NM_001320632.2); c.1259C>T, p.Ala420Val (NM_001320633.2); c.1004C>T, p.Ala335Val (NM_001320634.1); c.1388C>T, p.Ala463Val (NM_001320640.2); c.1535C>T, p.Ala512Val (NM_001320641.2); c.1547C>T, p.Ala516Val (NM_001320642.1); c.1211C>T, p.Ala404Val (NM_004305.4); c.1499C>T, p.Ala500Val (NM_139344.3); and 7 more; short protein forms A374V, A432V, A456V, A516V, A404V, A468V, A500V, A512V.
Identifiers: ClinVar variation 4743741 (VCV004743741.1).

ClinVar aggregate classification (germline): Uncertain significance (1 of 4 stars; one submission).

Conditions:
Myopathy, centronuclear, 2 (CNM2). Also called: MYOTUBULAR MYOPATHY, AUTOSOMAL RECESSIVE. Identifiers: Orphanet 169186, MedGen CN031787, MONDO:0009709, OMIM 255200.

Submission:

Labcorp Genetics (formerly Invitae), Labcorp
Classification: Uncertain significance for Myopathy, centronuclear, 2. Last evaluated: 2026-01-26. Review status: criteria provided, single submitter. Criteria: Invitae Variant Classification Sherloc (09022015). Collection method: clinical testing. Allele origin: germline.
Comment: This sequence change replaces alanine, which is neutral and non-polar, with valine, which is neutral and non-polar, at codon 543 of the BIN1 protein (p.Ala543Val). This variant is not present in population databases (gnomAD no frequency). This variant has not been reported in the literature in individuals affected with BIN1-related conditions. Invitae Evidence Modeling of protein sequence and biophysical properties (such as structural, functional, and spatial information, amino acid conservation, physicochemical variation, residue mobility, and thermodynamic stability) indicates that this missense variant is not expected to disrupt BIN1 protein function with a negative predictive value of 80%. Algorithms developed to predict the effect of sequence changes on RNA splicing suggest that this variant may create or strengthen a splice site. In summary, the available evidence is currently insufficient to determine the role of this variant in disease. Therefore, it has been classified as a Variant of Uncertain Significance.